The following is an entry in ClinVar:

ClinVar aggregate classification (germline): Uncertain significance. Review status: criteria provided, multiple submitters, no conflicts (2 of 4 stars). 2 submissions from 2 submitters: Uncertain significance (2). Last evaluated 2025-12-22.

Conditions:
Inborn genetic diseases. Identifiers: MedGen C0950123, MeSH D030342.
Hereditary sensory and autonomic neuropathy type 6. Also called: Neuropathy, hereditary sensory and autonomic, type VI; HSAN VI. Identifiers: Orphanet 314381, MedGen C3539003, MONDO:0013839, OMIM 614653.
Epidermolysis bullosa simplex 3, localized or generalized intermediate, with BP230 deficiency (EBS3). Also called: Epidermolysis bullosa simplex, autosomal recessive 2; Epidermolysis bullosa simplex due to BP230 deficiency. Identifiers: Orphanet 412181, MedGen C3809470, MONDO:0014180, OMIM 615425.

Allele frequency attached by ClinVar (database versions not stated): ExAC 0.00007; gnomAD exomes 0.00007 and 0.00010; ESP Exome Variant Server 0.00008; gnomAD 0.00008 and 0.00009; TOPMed 0.00010.
gnomAD v4.1: 150 of 1,613,074 alleles (0.0093%); highest among the groups gnomAD compares: Non-Finnish European, 0.012%; no homozygotes.

Submissions (2):

Labcorp Genetics (formerly Invitae), Labcorp
Classification: Uncertain significance for Epidermolysis bullosa simplex 3, localized or generalized intermediate, with BP230 deficiency; Hereditary sensory and autonomic neuropathy type 6. Last evaluated: 2025-12-22. Review status: criteria provided, single submitter. Criteria: Invitae Variant Classification Sherloc (09022015). Collection method: clinical testing. Allele origin: germline.
Comment: The DST gene has multiple clinically relevant transcripts. This variant occurs in alternate transcript NM_015548.4, and corresponds to NM_001723.5:c.*41666C>G in the primary transcript. This sequence change replaces serine, which is neutral and polar, with cysteine, which is neutral and slightly polar, at codon 1732 of the DST protein (p.Ser1732Cys). This variant is present in population databases (rs200280141, gnomAD 0.01%). This variant has not been reported in the literature in individuals affected with DST-related conditions. ClinVar contains an entry for this variant (Variation ID: 966657). An algorithm developed to predict the effect of missense changes on protein structure and function outputs the following: PolyPhen-2: "Not Available". The cysteine amino acid residue is found in multiple mammalian species, which suggests that this missense change does not adversely affect protein function. In summary, the available evidence is currently insufficient to determine the role of this variant in disease. Therefore, it has been classified as a Variant of Uncertain Significance.

Ambry Genetics
Classification: Uncertain significance for Inborn genetic diseases. Last evaluated: 2022-04-12. Review status: criteria provided, single submitter. Criteria: Ambry Variant Classification Scheme 2023. Collection method: clinical testing. Allele origin: germline.
Comment: The p.S2236C variant (also known as c.6707C>G), located in coding exon 45 of the DST gene, results from a C to G substitution at nucleotide position 6707. The serine at codon 2236 is replaced by cysteine, an amino acid with dissimilar properties. This amino acid position is well conserved in available vertebrate species. In addition, this alteration is predicted to be tolerated by in silico analysis. Since supporting evidence is limited at this time, the clinical significance of this alteration remains unclear.

NM_001374736.1(DST):c.13064C>G (p.Ser4355Cys)

Gene: DST (dystonin; minus strand). Cytogenetic location: 6p12.1.
Variant type: single nucleotide variant.
Coding change: c.13064C>G on transcript NM_001374736.1 (MANE Select); coding-DNA position 13064, C replaced by G.
Protein change: p.Ser4355Cys; replaces serine 4355 with cysteine.
Molecular consequence: missense variant.
Genome position (GRCh38, 1-based): chr6:56,573,851, G>C on the plus strand (C>G on the coding strand, the complement: DST is on the minus strand). VCF-style: chr6-56573851-G-C. GRCh37 (hg19) VCF-style: chr6-56438649-G-C.
Other names: c.6707C>G, p.Ser2236Cys (NM_001144769.5); c.6293C>G, p.Ser2098Cys (NM_001144770.2); c.13064C>G, p.Ser4355Cys (NM_001374722.1); c.12431C>G, p.Ser4144Cys (NM_001374729.1); c.6173C>G, p.Ser2058Cys (NM_001374730.1, NM_183380.4); c.13091C>G, p.Ser4364Cys (NM_001374734.1); c.5195C>G, p.Ser1732Cys (NM_015548.5); short protein forms S4144C, S4355C, S2098C, S4364C, S2236C, S1732C, S2058C.
Identifiers: ClinVar variation 966657 (VCV000966657.9), dbSNP rs200280141, ClinGen allele CA3868287.